The following is an entry in ClinVar:

NM_004315.6(ASAH1):c.101T>C (p.Phe34Ser)

Gene: ASAH1 (N-acylsphingosine amidohydrolase 1; minus strand). Cytogenetic location: 8p22.
Variant type: single nucleotide variant.
Coding change: c.101T>C on transcript NM_004315.6; coding-DNA position 101, T replaced by C.
Protein change: p.Phe34Ser; replaces phenylalanine 34 with serine.
Molecular consequence: missense variant.
Genome position (GRCh38, 1-based): chr8:18,084,701, A>G on the plus strand (T>C on the coding strand, the complement: ASAH1 is on the minus strand). VCF-style: chr8-18084701-A-G. GRCh37 (hg19) VCF-style: chr8-17942210-A-G.
Other names: c.101T>C, p.Phe34Ser (NM_001127505.3); short protein forms F34S.
Identifiers: ClinVar variation 2235917 (VCV002235917.3), dbSNP rs142924828, ClinGen allele CA4651213.
Genomic context (GRCh38, chr8:18,084,701, plus strand): 5'-ATCCACTCGGGTCCTCCAAGCTGTTGGTTACCCACTTGGGCTTTCACAGCAAAGCTGCCA[A>G]ATCCCAGAATTGAGGCCTCGGTGAAAAGCGCGCTGAGACTTGGGTAGGAGGCCCGGTGGG-3'

ClinVar aggregate classification (germline): Conflicting classifications of pathogenicity. Review status: criteria provided, conflicting classifications (1 of 4 stars). 2 submissions from 2 submitters: Uncertain significance (1); Likely benign (1). Last evaluated 2026-01-27.

Conditions:
ASAH1-related disorders. Also called: ASAH1-related condition; ASAH1-related disorder. Identifiers: MedGen CN376120, MONDO:0800460.
Inborn genetic diseases. Identifiers: MedGen C0950123, MeSH D030342.

Allele frequency attached by ClinVar (database versions not stated): gnomAD 0.00025; TOPMed 0.00026; ExAC 0.00035; gnomAD exomes 0.00037; ESP Exome Variant Server 0.00023.

Submissions (2):

PreventionGenetics, part of Exact Sciences
Classification: Likely benign for ASAH1-related condition. Last evaluated: 2026-01-27. Review status: criteria provided, single submitter. Criteria: ACMG Guidelines, 2015. Collection method: clinical testing. Allele origin: germline.
Comment: This variant is classified as likely benign based on ACMG/AMP sequence variant interpretation guidelines (Richards et al. 2015 PMID: 25741868, with internal and published modifications).

Ambry Genetics
Classification: Uncertain significance for Inborn genetic diseases. Last evaluated: 2022-05-02. Review status: criteria provided, single submitter. Criteria: Ambry Variant Classification Scheme 2023. Collection method: clinical testing. Allele origin: germline.